The following is an entry in ClinVar:

ClinVar aggregate classification (germline): Likely benign. Review status: criteria provided, multiple submitters, no conflicts (2 of 4 stars). 2 submissions from 2 submitters: Likely benign (2). Last evaluated 2025-01-28.

Conditions:
Ehlers-Danlos syndrome, dermatosparaxis type. Also called: Dermatosparaxis; EDS VIIC; Ehlers-Danlos syndrome, type VII, autosomal recessive. Identifiers: Orphanet 1901, MedGen C2700425, MONDO:0009161, OMIM 225410.

Allele frequency attached by ClinVar (database versions not stated): gnomAD 0.00001; TOPMed 0.00001; gnomAD exomes 0.00004 and 0.00007; ExAC 0.00007.
gnomAD v4.1: 53 of 1,613,912 alleles (0.0033%); highest among the groups gnomAD compares: South Asian, 0.037%; 1 homozygote.

Submissions (2):

Labcorp Genetics (formerly Invitae), Labcorp
Classification: Likely benign for Ehlers-Danlos syndrome, dermatosparaxis type. Last evaluated: 2025-01-28. Review status: criteria provided, single submitter. Criteria: Invitae Variant Classification Sherloc (09022015). Collection method: clinical testing. Allele origin: germline.

GeneDx
Classification: Likely benign. Last evaluated: 2017-12-04. Review status: criteria provided, single submitter. Criteria: GeneDx Variant Classification (06012015). Collection method: clinical testing. Allele origin: germline. Affected: yes.
Comment: This variant is considered likely benign or benign based on one or more of the following criteria: it is a conservative change, it occurs at a poorly conserved position in the protein, it is predicted to be benign by multiple in silico algorithms, and/or has population frequency not consistent with disease.

NM_014244.5(ADAMTS2):c.2376C>T (p.Gly792=)

Gene: ADAMTS2 (ADAM metallopeptidase with thrombospondin type 1 motif 2; minus strand). Cytogenetic location: 5q35.3.
Variant type: single nucleotide variant.
Coding change: c.2376C>T on transcript NM_014244.5 (MANE Select); coding-DNA position 2376, C replaced by T.
Protein change: p.Gly792=; no amino-acid change (glycine 792 retained).
Molecular consequence: synonymous variant.
Genome position (GRCh38, 1-based): chr5:179,130,013, G>A on the plus strand (C>T on the coding strand, the complement: ADAMTS2 is on the minus strand). VCF-style: chr5-179130013-G-A. GRCh37 (hg19) VCF-style: chr5-178557014-G-A.
Identifiers: ClinVar variation 513783 (VCV000513783.12), dbSNP rs779908624, ClinGen allele CA3595578.